The following is an entry in ClinVar:

ClinVar aggregate classification (germline): Uncertain significance. Review status: criteria provided, multiple submitters, no conflicts (2 of 4 stars). 3 submissions from 3 submitters: Uncertain significance (3). Last evaluated 2025-12-21.

Conditions:
Beckwith-Wiedemann syndrome (BWS). Also called: EMG SYNDROME; Exomphalos macroglossia gigantism syndrome. Identifiers: Orphanet 116, MedGen C0004903, MONDO:0007534, OMIM 130650.
IMAGe syndrome. Also called: Intrauterine growth retardation, metaphyseal dysplasia, adrenal hypoplasia congenita, and genital anomalies; Intrauterine Growth Restriction, Metaphyseal Dysplasia, Adrenal Hypoplasia Congenita, and Genital Anomalies. Identifiers: Orphanet 85173, MedGen C1846009, MONDO:0013873, OMIM 614732.

Allele frequency attached by ClinVar (database versions not stated): gnomAD exomes 0.00001; gnomAD 0.00003; TOPMed 0.00003.
gnomAD v4.1: 108 of 1,499,954 alleles (0.0072%); highest among the groups gnomAD compares: Non-Finnish European, 0.0091%; no homozygotes.

Submissions (3):

Labcorp Genetics (formerly Invitae), Labcorp
Classification: Uncertain significance for Beckwith-Wiedemann syndrome. Last evaluated: 2025-12-21. Review status: criteria provided, single submitter. Criteria: Invitae Variant Classification Sherloc (09022015). Collection method: clinical testing. Allele origin: germline.
Comment: This sequence change replaces proline, which is neutral and non-polar, with arginine, which is basic and polar, at codon 117 of the CDKN1C protein (p.Pro117Arg). This variant is present in population databases (no rsID available, gnomAD 0.004%). This variant has not been reported in the literature in individuals affected with CDKN1C-related conditions. ClinVar contains an entry for this variant (Variation ID: 453995). Invitae Evidence Modeling of protein sequence and biophysical properties (such as structural, functional, and spatial information, amino acid conservation, physicochemical variation, residue mobility, and thermodynamic stability) has been performed for this missense variant. However, the output from this modeling did not meet the statistical confidence thresholds required to predict the impact of this variant on CDKN1C protein function. In summary, the available evidence is currently insufficient to determine the role of this variant in disease. Therefore, it has been classified as a Variant of Uncertain Significance.

Baylor Genetics
Classification: Uncertain significance for Beckwith-Wiedemann syndrome. Last evaluated: 2023-08-20. Review status: criteria provided, single submitter. Criteria: ACMG Guidelines, 2015. Collection method: clinical testing. Allele origin: unknown.

Fulgent Genetics
Classification: Uncertain significance for Beckwith-Wiedemann syndrome; IMAGe syndrome. Last evaluated: 2021-10-04. Review status: criteria provided, single submitter. Criteria: ACMG Guidelines, 2015. Collection method: clinical testing. Allele origin: unknown.

NM_001122630.2(CDKN1C):c.317C>G (p.Pro106Arg)

Gene: CDKN1C (cyclin dependent kinase inhibitor 1C; minus strand). Cytogenetic location: 11p15.4.
Variant type: single nucleotide variant.
Coding change: c.317C>G on transcript NM_001122630.2 (MANE Select); coding-DNA position 317, C replaced by G.
Protein change: p.Pro106Arg; replaces proline 106 with arginine.
Molecular consequence: missense variant. On other transcripts: intron variant (1).
Genome position (GRCh38, 1-based): chr11:2,885,140, G>C on the plus strand (C>G on the coding strand, the complement: CDKN1C is on the minus strand). VCF-style: chr11-2885140-G-C. GRCh37 (hg19) VCF-style: chr11-2906370-G-C.
Other names: c.350C>G, p.Pro117Arg (LRG_533t1, NM_000076.2, NM_001362474.2); c.317C>G, p.Pro106Arg (NM_001122631.2); c.255+62C>G (NM_001362475.2); short protein forms P117R, P106R.
Identifiers: ClinVar variation 453995 (VCV000453995.12), dbSNP rs945890937, ClinGen allele CA216367356.